The following is an entry in ClinVar:

ClinVar aggregate classification (germline): Uncertain significance (1 of 4 stars; one submission).

Submission:

GeneDx
Classification: Uncertain significance. Last evaluated: 2025-01-17. Review status: criteria provided, single submitter. Criteria: GeneDx Variant Classification Process June 2021. Collection method: clinical testing. Allele origin: germline. Affected: yes.
Comment: Not observed at significant frequency in large population cohorts (gnomAD); In silico analysis indicates that this missense variant does not alter protein structure/function; Has not been previously published as pathogenic or benign to our knowledge

NM_004525.3(LRP2):c.11905A>G (p.Thr3969Ala)

Gene: LRP2 (LDL receptor related protein 2; minus strand). Cytogenetic location: 2q31.1.
Variant type: single nucleotide variant.
Coding change: c.11905A>G on transcript NM_004525.3 (MANE Select); coding-DNA position 11905, A replaced by G.
Protein change: p.Thr3969Ala; replaces threonine 3969 with alanine.
Molecular consequence: missense variant.
Genome position (GRCh38, 1-based): chr2:169,157,485, T>C on the plus strand (A>G on the coding strand, the complement: LRP2 is on the minus strand). VCF-style: chr2-169157485-T-C. GRCh37 (hg19) VCF-style: chr2-170013995-T-C.
Other names: short protein forms T3969A.
Identifiers: ClinVar variation 4071688 (VCV004071688.1).